The following is an entry in ClinVar:

ClinVar aggregate classification (germline): Benign (0 of 4 stars; one submission).

Conditions:
TGFBR3-related disorder. Also called: TGFBR3-related condition.

Allele frequency attached by ClinVar (database versions not stated): ESP Exome Variant Server 0.00054; gnomAD exomes 0.00769; gnomAD 0.01016; TOPMed 0.01517; ExAC 0.01768; 1000 Genomes Project 30x 0.03092; 1000 Genomes Project 0.03235.
gnomAD v4.1: 12,817 of 1,614,208 alleles (0.79%); highest among the groups gnomAD compares: East Asian, 14%; 829 homozygotes.

Submission:

PreventionGenetics, part of Exact Sciences
Classification: Benign for TGFBR3-related condition. Last evaluated: 2019-03-22. Review status: no assertion criteria provided. Collection method: clinical testing. Allele origin: germline.
Comment: This variant is classified as benign based on ACMG/AMP sequence variant interpretation guidelines (Richards et al. 2015 PMID: 25741868, with internal and published modifications).

NM_003243.5(TGFBR3):c.519A>G (p.Ser173=)

Gene: TGFBR3 (transforming growth factor beta receptor 3; minus strand). Cytogenetic location: 1p22.1.
Variant type: single nucleotide variant.
Coding change: c.519A>G on transcript NM_003243.5 (MANE Select); coding-DNA position 519, A replaced by G.
Protein change: p.Ser173=; no amino-acid change (serine 173 retained).
Molecular consequence: synonymous variant. On other transcripts: non-coding transcript variant (1).
Genome position (GRCh38, 1-based): chr1:91,734,825, T>C on the plus strand (A>G on the coding strand, the complement: TGFBR3 is on the minus strand). VCF-style: chr1-91734825-T-C. GRCh37 (hg19) VCF-style: chr1-92200382-T-C.
Other names: c.519A>G, p.Ser173= (NM_001195683.2, NM_001195684.1).
Identifiers: ClinVar variation 3059100 (VCV003059100.2), dbSNP rs2306888, ClinGen allele CA948033.